The following is an entry in ClinVar:

NM_004629.2(FANCG):c.364T>C (p.Trp122Arg)

Gene: FANCG (FA complementation group G; minus strand). Cytogenetic location: 9p13.3.
Variant type: single nucleotide variant.
Coding change: c.364T>C on transcript NM_004629.2 (MANE Select); coding-DNA position 364, T replaced by C.
Protein change: p.Trp122Arg; replaces tryptophan 122 with arginine.
Molecular consequence: missense variant.
Genome position (GRCh38, 1-based): chr9:35,078,287, A>G on the plus strand (T>C on the coding strand, the complement: FANCG is on the minus strand). VCF-style: chr9-35078287-A-G. GRCh37 (hg19) VCF-style: chr9-35078284-A-G.
Other names: short protein forms W122R.
Identifiers: ClinVar variation 3848425 (VCV003848425.1).

ClinVar aggregate classification (germline): Uncertain significance (1 of 4 stars; one submission).

Conditions:
Inborn genetic diseases. Identifiers: MedGen C0950123, MeSH D030342.

gnomAD v4.1: 3 of 1,614,076 alleles (0.00019%); highest among the groups gnomAD compares: East Asian, 0.0022%; no homozygotes.

Submission:

Ambry Genetics
Classification: Uncertain significance for Inborn genetic diseases. Last evaluated: 2025-02-01. Review status: criteria provided, single submitter. Criteria: Ambry Variant Classification Scheme 2023. Collection method: clinical testing. Allele origin: germline.
Comment: The p.W122R variant (also known as c.364T>C), located in coding exon 4 of the FANCG gene, results from a T to C substitution at nucleotide position 364. The tryptophan at codon 122 is replaced by arginine, an amino acid with dissimilar properties. This amino acid position is conserved. In addition, this alteration is predicted to be deleterious by in silico analysis. Based on the available evidence, the clinical significance of this variant remains unclear.